The following is an entry in ClinVar:

ClinVar aggregate classification (germline): Conflicting classifications of pathogenicity. Review status: criteria provided, conflicting classifications (1 of 4 stars). 2 submissions from 2 submitters: Uncertain significance (1); Likely benign (1). Last evaluated 2025-10-01.

Conditions:
Inborn genetic diseases. Identifiers: MedGen C0950123, MeSH D030342.

gnomAD v4.1: 1,565 of 1,557,196 alleles (0.1%); highest among the groups gnomAD compares: Non-Finnish European, 0.12%; 2 homozygotes.

Submissions (2):

CeGaT Center for Human Genetics Tuebingen
Classification: Likely benign. Last evaluated: 2025-10-01. Review status: criteria provided, single submitter. Criteria: CeGaT Center For Human Genetics Tuebingen Variant Classification Criteria Version 2. Collection method: clinical testing. Allele origin: germline. Affected: yes. Observed: 2 variant alleles.
Comment: SMARCA5: BS1

Ambry Genetics
Classification: Uncertain significance for Inborn genetic diseases. Last evaluated: 2024-06-10. Review status: criteria provided, single submitter. Criteria: Ambry Variant Classification Scheme 2023. Collection method: clinical testing. Allele origin: germline.

NM_003601.4(SMARCA5):c.151G>T (p.Ala51Ser)

Genes: SMARCA5 (SNF2 related chromatin remodeling ATPase 5; plus strand), SMARCA5-AS1 (SMARCA5 antisense RNA 1; minus strand). Cytogenetic location: 4q31.21.
Variant type: single nucleotide variant.
Coding change: c.151G>T on transcript NM_003601.4 (MANE Select); coding-DNA position 151, G replaced by T.
Protein change: p.Ala51Ser; replaces alanine 51 with serine.
Molecular consequence: missense variant. On other transcripts: non-coding transcript variant (1).
Genome position (GRCh38, 1-based): chr4:143,514,075, G>T. VCF-style: chr4-143514075-G-T. GRCh37 (hg19) VCF-style: chr4-144435228-G-T.
Other names: short protein forms A51S.
Identifiers: ClinVar variation 3320778 (VCV003320778.14).